The following is an entry in ClinVar:

NM_013275.6(ANKRD11):c.1424A>G (p.Lys475Arg)

Gene: ANKRD11 (ankyrin repeat domain 11; minus strand). Cytogenetic location: 16q24.3.
Variant type: single nucleotide variant.
Coding change: c.1424A>G on transcript NM_013275.6 (MANE Select); coding-DNA position 1424, A replaced by G.
Protein change: p.Lys475Arg; replaces lysine 475 with arginine.
Molecular consequence: missense variant.
Genome position (GRCh38, 1-based): chr16:89,285,118, T>C on the plus strand (A>G on the coding strand, the complement: ANKRD11 is on the minus strand). VCF-style: chr16-89285118-T-C. GRCh37 (hg19) VCF-style: chr16-89351526-T-C.
Other names: c.1424A>G, p.Lys475Arg (NM_001256182.2, NM_001256183.2); short protein forms K475R.
Identifiers: ClinVar variation 4883248 (VCV004883248.2).

ClinVar aggregate classification (germline): Uncertain significance (1 of 4 stars; one submission).

gnomAD v4.1: 2 of 1,613,586 alleles (0.00012%); highest among the groups gnomAD compares: Non-Finnish European, 0.00017%; no homozygotes.

Submission:

Dasa
Classification: Uncertain significance. Last evaluated: 2025-10-29. Review status: criteria provided, single submitter. Criteria: DASA Assertion Criteria. Collection method: clinical testing. Allele origin: germline.
Comment: NM_013275.6(ANKRD11):c.1424A>G (p.Lys475Arg) is a missense variant that results in the substitution of lysine with arginine. This variant is rare in population databases. Computational prediction algorithms are consistent with a benign effect. The currently available literature and clinical evidence are not sufficient to establish a definitive association between this variant and the reported condition. Therefore, this variant is classified as a variant of uncertain significance.